The following is an entry in ClinVar:

ClinVar aggregate classification (germline): Uncertain significance (1 of 4 stars; one submission).

Submission:

Labcorp Genetics (formerly Invitae), Labcorp
Classification: Uncertain significance. Last evaluated: 2022-01-17. Review status: criteria provided, single submitter. Criteria: Invitae Variant Classification Sherloc (09022015). Collection method: clinical testing. Allele origin: germline.
Comment: In summary, the available evidence is currently insufficient to determine the role of this variant in disease. Therefore, it has been classified as a Variant of Uncertain Significance. This sequence change falls in intron 23 of the CACNA1D gene. It does not directly change the encoded amino acid sequence of the CACNA1D protein. It affects a nucleotide within the consensus splice site. This variant is not present in population databases (gnomAD no frequency). This variant has not been reported in the literature in individuals affected with CACNA1D-related conditions. Variants that disrupt the consensus splice site are a relatively common cause of aberrant splicing (PMID: 17576681, 9536098). Algorithms developed to predict the effect of sequence changes on RNA splicing suggest that this variant may disrupt the consensus splice site.

Literature cited by the submitters: PubMed 17576681; PubMed 9536098.

NM_001128840.3(CACNA1D):c.2918+3A>G

Gene: CACNA1D (calcium voltage-gated channel subunit alpha1 D; plus strand). Cytogenetic location: 3p21.1.
Variant type: single nucleotide variant.
Coding change: c.2918+3A>G on transcript NM_001128840.3 (MANE Select); 3 bases into the intron after coding-DNA position 2918, A replaced by G.
Molecular consequence: intron variant.
Genome position (GRCh38, 1-based): chr3:53,743,120, A>G. VCF-style: chr3-53743120-A-G. GRCh37 (hg19) VCF-style: chr3-53777147-A-G.
Other names: c.2918+3A>G (NM_001128839.3); c.2978+3A>G (NM_000720.4).
Identifiers: ClinVar variation 2086687 (VCV002086687.4), dbSNP rs2473910805, ClinGen allele CA2580070262.